The following is an entry in ClinVar:

ClinVar aggregate classification (germline): Uncertain significance. Review status: criteria provided, multiple submitters, no conflicts (2 of 4 stars). 2 submissions from 2 submitters: Uncertain significance (2). Last evaluated 2023-04-05.

Conditions:
Inborn genetic diseases. Identifiers: MedGen C0950123, MeSH D030342.

Allele frequency attached by ClinVar (database versions not stated): TOPMed below 0.00001.

Submissions (2):

Labcorp Genetics (formerly Invitae), Labcorp
Classification: Uncertain significance. Last evaluated: 2023-04-05. Review status: criteria provided, single submitter. Criteria: Invitae Variant Classification Sherloc (09022015). Collection method: clinical testing. Allele origin: germline.
Comment: This sequence change replaces serine, which is neutral and polar, with cysteine, which is neutral and slightly polar, at codon 476 of the ATR protein (p.Ser476Cys). This variant is not present in population databases (gnomAD no frequency). This variant has not been reported in the literature in individuals affected with ATR-related conditions. An algorithm developed to predict the effect of missense changes on protein structure and function (PolyPhen-2) suggests that this variant is likely to be tolerated. In summary, the available evidence is currently insufficient to determine the role of this variant in disease. Therefore, it has been classified as a Variant of Uncertain Significance.

Ambry Genetics
Classification: Uncertain significance for Inborn genetic diseases. Last evaluated: 2023-01-05. Review status: criteria provided, single submitter. Criteria: Ambry Variant Classification Scheme 2023. Collection method: clinical testing. Allele origin: germline.
Comment: The p.S476C variant (also known as c.1427C>G), located in coding exon 6 of the ATR gene, results from a C to G substitution at nucleotide position 1427. The serine at codon 476 is replaced by cysteine, an amino acid with dissimilar properties. This amino acid position is conserved. In addition, this alteration is predicted to be tolerated by in silico analysis. Since supporting evidence is limited at this time, the clinical significance of this alteration remains unclear.

NM_001184.4(ATR):c.1427C>G (p.Ser476Cys)

Gene: ATR (ATR checkpoint kinase; minus strand). Cytogenetic location: 3q23.
Variant type: single nucleotide variant.
Coding change: c.1427C>G on transcript NM_001184.4 (MANE Select); coding-DNA position 1427, C replaced by G.
Protein change: p.Ser476Cys; replaces serine 476 with cysteine.
Molecular consequence: missense variant. On other transcripts: intron variant (1).
Genome position (GRCh38, 1-based): chr3:142,560,377, G>C on the plus strand (C>G on the coding strand, the complement: ATR is on the minus strand). VCF-style: chr3-142560377-G-C. GRCh37 (hg19) VCF-style: chr3-142279219-G-C.
Other names: c.1349+866C>G (NM_001354579.2); short protein forms S476C.
Identifiers: ClinVar variation 2496618 (VCV002496618.5), dbSNP rs2034832211, ClinGen allele CA354822907.